The following is an entry in ClinVar:

NM_002887.4(RARS1):c.1443_1446del (p.Arg482fs)

Gene: RARS1 (arginyl-tRNA synthetase 1; plus strand). Cytogenetic location: 5q34.
Variant type: Microsatellite.
Coding change: c.1443_1446del on transcript NM_002887.4 (MANE Select); coding-DNA positions 1443 to 1446, 4 bases deleted (AAGA; older notation c.1443_1446delAAGA).
Protein change: p.Arg482fs; shifts the reading frame from arginine 482.
Molecular consequence: frameshift variant.
Genome position (GRCh38, 1-based): chr5:168,510,677-168,510,680, AAGA deleted; deleting any 4 consecutive bases within chr5:168,510,672-168,510,680 gives the same sequence; the c. name uses the placement nearest the transcript's 3' end. VCF-style (leftmost placement, unchanged base first): chr5-168510671-AAAAG-A. GRCh37 (hg19) VCF-style: chr5-167937676-AAAAG-A.
Other names: short protein forms R482fs.
Identifiers: ClinVar variation 373799 (VCV000373799.3), dbSNP rs1057518618, ClinGen allele CA16042603.
Genomic context (GRCh38, chr5:168,510,671, plus strand): 5'-AGTGCGCCTCATGGATCTTCTGGGAGAAGGACTAAAACGATCCATGGACAAGTTGAAGGA[AAAAG>A]AAAGAGACAAGGTAATTCAAAGCCTTATAGGCATAATGTGTATCAAGCATTGTGATTTTT-3'

ClinVar aggregate classification (germline): Pathogenic. Review status: criteria provided, multiple submitters, no conflicts (2 of 4 stars). 2 submissions from 2 submitters: Pathogenic (2). Last evaluated 2024-05-14.

Conditions:
Inborn genetic diseases. Identifiers: MedGen C0950123, MeSH D030342.

Submissions (2):

Ambry Genetics
Classification: Pathogenic for Inborn genetic diseases. Last evaluated: 2024-05-14. Review status: criteria provided, single submitter. Criteria: Ambry Variant Classification Scheme 2023. Collection method: clinical testing. Allele origin: germline.
Comment: The c.1443_1446delAAGA (p.R482Tfs*4) alteration, located in exon 12 (coding exon 12) of the RARS1 gene, consists of a deletion of 4 nucleotides from position 1443 to 1446, causing a translational frameshift with a predicted alternate stop codon after 4 amino acids. This alteration is expected to result in loss of function by premature protein truncation or nonsense-mediated mRNA decay. This variant was not reported in population-based cohorts in the Genome Aggregation Database (gnomAD). Based on the available evidence, this alteration is classified as pathogenic.

GeneDx
Classification: Pathogenic. Last evaluated: 2016-12-14. Review status: criteria provided, single submitter. Criteria: GeneDx Variant Classification (06012015). Collection method: clinical testing. Allele origin: germline. Affected: yes.
Comment: The c.1443_1446delAAGA pathogenic variant in the RARS gene causes a frameshift starting with codon Arginine 482, changes this amino acid to a Threonine residue and creates a premature Stop codon at position 4 of the new reading frame, denoted p.Arg482ThrfsX4. This pathogenic variant is predicted to cause loss of normal protein function either through protein truncation or nonsense-mediated mRNA decay. Although this pathogenic variant has not been previously reported to our knowledge, it is interpreted to be a pathogenic variant.